The following is an entry in ClinVar:

ClinVar aggregate classification (germline): Uncertain significance (1 of 4 stars; one submission).

Conditions:
Early Myoclonic Encephalopathy. Identifiers: MedGen C0270855.

Allele frequency attached by ClinVar (database versions not stated): TOPMed below 0.00001.
gnomAD v4.1: 1 of 1,609,498 alleles (0.000062%); highest among the groups gnomAD compares: Non-Finnish European, 0.000085%; no homozygotes.

Submission:

Labcorp Genetics (formerly Invitae), Labcorp
Classification: Uncertain significance for Early Myoclonic Encephalopathy. Last evaluated: 2022-03-19. Review status: criteria provided, single submitter. Criteria: Invitae Variant Classification Sherloc (09022015). Collection method: clinical testing. Allele origin: germline.
Comment: Algorithms developed to predict the effect of missense changes on protein structure and function are either unavailable or do not agree on the potential impact of this missense change (SIFT: "Deleterious"; PolyPhen-2: "Probably Damaging"; Align-GVGD: "Class C0"). In summary, the available evidence is currently insufficient to determine the role of this variant in disease. Therefore, it has been classified as a Variant of Uncertain Significance. ClinVar contains an entry for this variant (Variation ID: 1002626). This variant has not been reported in the literature in individuals affected with JMJD1C-related conditions. This variant is not present in population databases (gnomAD no frequency). This sequence change replaces isoleucine, which is neutral and non-polar, with methionine, which is neutral and non-polar, at codon 1805 of the JMJD1C protein (p.Ile1805Met).

NM_032776.3(JMJD1C):c.5415C>G (p.Ile1805Met)

Gene: JMJD1C (jumonji domain containing 1C; minus strand). Cytogenetic location: 10q21.3.
Variant type: single nucleotide variant.
Coding change: c.5415C>G on transcript NM_032776.3 (MANE Select); coding-DNA position 5415, C replaced by G.
Protein change: p.Ile1805Met; replaces isoleucine 1805 with methionine.
Molecular consequence: missense variant. On other transcripts: non-coding transcript variant (1).
Genome position (GRCh38, 1-based): chr10:63,198,589, G>C on the plus strand (C>G on the coding strand, the complement: JMJD1C is on the minus strand). VCF-style: chr10-63198589-G-C. GRCh37 (hg19) VCF-style: chr10-64958349-G-C.
Other names: c.4869C>G, p.Ile1623Met (NM_001282948.2, NM_001318154.2); c.4551C>G, p.Ile1517Met (NM_001318153.2); c.5301C>G, p.Ile1767Met (NM_001322252.2); c.4758C>G, p.Ile1586Met (NM_001322254.2, NM_001322258.2); short protein forms I1517M, I1586M, I1623M, I1767M, I1805M.
Identifiers: ClinVar variation 1002626 (VCV001002626.8), dbSNP rs1845696153, ClinGen allele CA377031796.